The following is an entry in ClinVar:

ClinVar aggregate classification (germline): Uncertain significance (1 of 4 stars; one submission).

gnomAD v4.1: 7 of 1,610,224 alleles (0.00043%); highest among the groups gnomAD compares: East Asian, 0.016%; no homozygotes.

Submission:

Labcorp Genetics (formerly Invitae), Labcorp
Classification: Uncertain significance. Last evaluated: 2024-09-17. Review status: criteria provided, single submitter. Criteria: Invitae Variant Classification Sherloc (09022015). Collection method: clinical testing. Allele origin: germline.
Comment: This sequence change replaces alanine, which is neutral and non-polar, with valine, which is neutral and non-polar, at codon 315 of the GUF1 protein (p.Ala315Val). This variant is present in population databases (rs577666645, gnomAD 0.02%). This variant has not been reported in the literature in individuals affected with GUF1-related conditions. Invitae Evidence Modeling of protein sequence and biophysical properties (such as structural, functional, and spatial information, amino acid conservation, physicochemical variation, residue mobility, and thermodynamic stability) indicates that this missense variant is not expected to disrupt GUF1 protein function with a negative predictive value of 80%. Algorithms developed to predict the effect of sequence changes on RNA splicing suggest that this variant may disrupt the consensus splice site. In summary, the available evidence is currently insufficient to determine the role of this variant in disease. Therefore, it has been classified as a Variant of Uncertain Significance.

NM_021927.3(GUF1):c.944C>T (p.Ala315Val)

Gene: GUF1 (GTP binding elongation factor GUF1; plus strand). Cytogenetic location: 4p12.
Variant type: single nucleotide variant.
Coding change: c.944C>T on transcript NM_021927.3 (MANE Select); coding-DNA position 944, C replaced by T.
Protein change: p.Ala315Val; replaces alanine 315 with valine.
Molecular consequence: missense variant. On other transcripts: 5 prime UTR variant (2).
Genome position (GRCh38, 1-based): chr4:44,688,012, C>T. VCF-style: chr4-44688012-C-T. GRCh37 (hg19) VCF-style: chr4-44690029-C-T.
Other names: c.-29C>T (NM_001345867.2, NM_001345869.2); c.944C>T, p.Ala315Val (NM_001345868.2); short protein forms A315V.
Identifiers: ClinVar variation 3718684 (VCV003718684.2).